The following is an entry in ClinVar:

ClinVar aggregate classification (germline): Uncertain significance. Review status: criteria provided, multiple submitters, no conflicts (2 of 4 stars). 2 submissions from 2 submitters: Uncertain significance (2). Last evaluated 2025-07-08.

Allele frequency attached by ClinVar (database versions not stated): ExAC 0.00001; gnomAD 0.00001; gnomAD exomes 0.00001 and below 0.00001; 1000 Genomes Project 30x 0.00016; 1000 Genomes Project 0.00020.
gnomAD v4.1: 4 of 1,613,652 alleles (0.00025%); highest among the groups gnomAD compares: South Asian, 0.0022%; no homozygotes.

Submissions (2):

Women's Health and Genetics/Laboratory Corporation of America, LabCorp
Classification: Uncertain significance. Last evaluated: 2025-07-08. Review status: criteria provided, single submitter. Criteria: LabCorp Variant Classification Summary - May 2015. Collection method: clinical testing. Allele origin: germline.
Comment: Variant summary: NALCN c.1109A>G (p.Gln370Arg) results in a conservative amino acid change in the encoded protein sequence. Algorithms developed to predict the effect of missense changes on protein structure and function are either unavailable or do not agree on the potential impact of this missense change. The variant allele was found at a frequency of 8e-06 in 250604 control chromosomes. The available data on variant occurrences in the general population are insufficient to allow any conclusion about variant significance. To our knowledge, no occurrence of c.1109A>G in individuals affected with Congenital Contractures Of The Limbs And Face, Hypotonia, And Developmental Delay and no experimental evidence demonstrating its impact on protein function have been reported. ClinVar contains an entry for this variant (Variation ID: 1307240). Based on the evidence outlined above, the variant was classified as uncertain significance.

GeneDx
Classification: Uncertain significance. Last evaluated: 2019-07-25. Review status: criteria provided, single submitter. Criteria: GeneDx Variant Classification Process June 2021. Collection method: clinical testing. Allele origin: germline. Affected: yes.
Comment: In silico analysis, which includes protein predictors and evolutionary conservation, supports that this variant does not alter protein structure/function; Has not been previously published as pathogenic or benign to our knowledge

NM_052867.4(NALCN):c.1109A>G (p.Gln370Arg)

Gene: NALCN (sodium leak channel, non-selective; minus strand). Cytogenetic location: 13q33.1.
Variant type: single nucleotide variant.
Coding change: c.1109A>G on transcript NM_052867.4 (MANE Select); coding-DNA position 1109, A replaced by G.
Protein change: p.Gln370Arg; replaces glutamine 370 with arginine.
Molecular consequence: missense variant. On other transcripts: intron variant (2).
Genome position (GRCh38, 1-based): chr13:101,283,958, T>C on the plus strand (A>G on the coding strand, the complement: NALCN is on the minus strand). VCF-style: chr13-101283958-T-C. GRCh37 (hg19) VCF-style: chr13-101936309-T-C.
Other names: c.1109A>G, p.Gln370Arg (NM_001350748.2, NM_001350749.2); c.1047+8032A>G (NM_001350751.2, NM_001350750.2); short protein forms Q370R.
Identifiers: ClinVar variation 1307240 (VCV001307240.4), dbSNP rs571434587, ClinGen allele CA7036314.